The following is an entry in ClinVar:

ClinVar aggregate classification (germline): Uncertain significance (1 of 4 stars; one submission).

Conditions:
Progressive myoclonic epilepsy. Also called: Familial progressive myoclonic epilepsy; Myoclonus epilepsy; Progressive myoclonus epilepsy; Myoclonic Epilepsies, Progressive. Identifiers: Orphanet 308, Orphanet 98261, MedGen C0751778, MONDO:0020074.

Allele frequency attached by ClinVar (database versions not stated): gnomAD 0.00001 and 0.00002; gnomAD exomes 0.00002; ExAC 0.00001; TOPMed 0.00004.
gnomAD v4.1: 56 of 1,613,028 alleles (0.0035%); highest among the groups gnomAD compares: South Asian, 0.015%; no homozygotes.

Submission:

Labcorp Genetics (formerly Invitae), Labcorp
Classification: Uncertain significance for Progressive myoclonic epilepsy. Last evaluated: 2022-01-26. Review status: criteria provided, single submitter. Criteria: Invitae Variant Classification Sherloc (09022015). Collection method: clinical testing. Allele origin: germline.
Comment: This sequence change replaces arginine, which is basic and polar, with tryptophan, which is neutral and slightly polar, at codon 69 of the GOSR2 protein (p.Arg69Trp). This variant is present in population databases (rs770149230, gnomAD 0.006%). This variant has not been reported in the literature in individuals affected with GOSR2-related conditions. ClinVar contains an entry for this variant (Variation ID: 462914). Algorithms developed to predict the effect of missense changes on protein structure and function (SIFT, PolyPhen-2, Align-GVGD) all suggest that this variant is likely to be disruptive. In summary, the available evidence is currently insufficient to determine the role of this variant in disease. Therefore, it has been classified as a Variant of Uncertain Significance.

NM_004287.5(GOSR2):c.205C>T (p.Arg69Trp)

Genes: LRRC37A2 (leucine rich repeat containing 37 member A2), GOSR2 (golgi SNAP receptor complex member 2; plus strand), LOC126862578 (BRD4-independent group 4 enhancer GRCh37_chr17:45008344-45009543; plus strand). Cytogenetic location: 17q21.32.
Variant type: single nucleotide variant.
Coding change: c.205C>T on transcript NM_004287.5 (MANE Select); coding-DNA position 205, C replaced by T.
Protein change: p.Arg69Trp; replaces arginine 69 with tryptophan.
Molecular consequence: missense variant. On other transcripts: non-coding transcript variant (3).
Genome position (GRCh38, 1-based): chr17:46,932,068, C>T. VCF-style: chr17-46932068-C-T. GRCh37 (hg19) VCF-style: chr17-45009434-C-T.
Other names: c.205C>T, p.Arg69Trp (NM_001012511.3, NM_001321133.2, NM_001330252.2 and 1 more transcripts); c.151C>T, p.Arg51Trp (NM_001321134.2, NM_001363851.2); c.202C>T, p.Arg68Trp (NM_001353114.2, NM_001353115.2, NM_001353116.2); short protein forms R69W, R51W, R68W.
Identifiers: ClinVar variation 462914 (VCV000462914.6), dbSNP rs770149230, ClinGen allele CA8621210.